The following is an entry in ClinVar:

ClinVar aggregate classification (germline): Uncertain significance (1 of 4 stars; one submission).

Conditions:
TTN-related disorder. Also called: TTN-related disorders; TTN-related condition; TTN-related disease.

gnomAD v4.1: 14 of 1,613,214 alleles (0.00087%); highest among the groups gnomAD compares: African/African-American, 0.0053%; no homozygotes.

Submission:

PreventionGenetics, part of Exact Sciences
Classification: Uncertain significance for TTN-related condition. Last evaluated: 2026-03-24. Review status: criteria provided, single submitter. Criteria: ACMG Guidelines, 2015. Collection method: clinical testing. Allele origin: germline.
Comment: The TTN c.42206G>A variant is predicted to result in the amino acid substitution p.Arg14069Gln. To our knowledge, this variant has not been reported in the literature. This variant is reported in 0.0065% of alleles in individuals of African descent in gnomAD. At this time, the clinical significance of this variant is uncertain due to the absence of conclusive functional and genetic evidence.

NM_001267550.2(TTN):c.42206G>A (p.Arg14069Gln)

Gene: TTN (titin; minus strand). Cytogenetic location: 2q31.2.
Variant type: single nucleotide variant.
Coding change: c.42206G>A on transcript NM_001267550.2 (MANE Select); coding-DNA position 42206, G replaced by A.
Protein change: p.Arg14069Gln; replaces arginine 14069 with glutamine.
Molecular consequence: missense variant.
Genome position (GRCh38, 1-based): chr2:178,634,575, C>T on the plus strand (G>A on the coding strand, the complement: TTN is on the minus strand). VCF-style: chr2-178634575-C-T. GRCh37 (hg19) VCF-style: chr2-179499302-C-T.
Other names: c.37283G>A, p.Arg12428Gln (NM_001256850.1); c.15011G>A, p.Arg5004Gln (NM_003319.4); c.34502G>A, p.Arg11501Gln (NM_133378.4); c.15386G>A, p.Arg5129Gln (NM_133432.3); c.15587G>A, p.Arg5196Gln (NM_133437.4); short protein forms R11501Q, R5004Q, R5129Q, R12428Q, R14069Q, R5196Q.
Identifiers: ClinVar variation 4982347 (VCV004982347.1).